The following is an entry in ClinVar:

ClinVar aggregate classification (germline): Likely benign (0 of 4 stars; one submission).

Conditions:
RREB1-related disorder. Also called: RREB1-related condition.

Allele frequency attached by ClinVar (database versions not stated): gnomAD exomes 0.00001.
gnomAD v4.1: 21 of 1,614,016 alleles (0.0013%); highest among the groups gnomAD compares: East Asian, 0.0022%; no homozygotes.

Submission:

PreventionGenetics, part of Exact Sciences
Classification: Likely benign for RREB1-related condition. Last evaluated: 2019-08-27. Review status: no assertion criteria provided. Collection method: clinical testing. Allele origin: germline.
Comment: This variant is classified as likely benign based on ACMG/AMP sequence variant interpretation guidelines (Richards et al. 2015 PMID: 25741868, with internal and published modifications).

NM_001003699.4(RREB1):c.1284C>T (p.Pro428=)

Gene: RREB1 (ras responsive element binding protein 1; plus strand). Cytogenetic location: 6p24.3.
Variant type: single nucleotide variant.
Coding change: c.1284C>T on transcript NM_001003699.4 (MANE Select); coding-DNA position 1284, C replaced by T.
Protein change: p.Pro428=; no amino-acid change (proline 428 retained).
Molecular consequence: synonymous variant.
Genome position (GRCh38, 1-based): chr6:7,229,383, C>T. VCF-style: chr6-7229383-C-T. GRCh37 (hg19) VCF-style: chr6-7229616-C-T.
Other names: c.1284C>T, p.Pro428= (NM_001003698.4, NM_001003700.2, NM_001168344.2).
Identifiers: ClinVar variation 3052838 (VCV003052838.2), dbSNP rs1039941599, ClinGen allele CA133901409.
Genomic context (GRCh38, chr6:7,229,383, plus strand): 5'-CCTGCTGAGCCTGTCACCTTTCGAAGCTGCTTCCCTAGGCGGTTCTCTCACAGTTCTCCC[C>T]GCGACCAAGGACAGCATAAAGCACCTGTCCCTGCAGCCCTTCCAGAAGGGCTTCATCATC-3'
Protein context (NP_001003699.1, residues 418-438): ASLGGSLTVL[Pro428=]ATKDSIKHLS